The following is an entry in ClinVar:

ClinVar aggregate classification (germline): Uncertain significance (1 of 4 stars; one submission).

Conditions:
SCAPER-related disorder. Also called: SCAPER-related condition.

Submission:

PreventionGenetics, part of Exact Sciences
Classification: Uncertain significance for SCAPER-related condition. Last evaluated: 2026-04-17. Review status: criteria provided, single submitter. Criteria: ACMG Guidelines, 2015. Collection method: clinical testing. Allele origin: germline.
Comment: The SCAPER c.210C>G variant is predicted to result in the amino acid substitution p.Asp70Glu. To our knowledge, this variant has not been reported in the literature or in a large population database (gnomAD), indicating this variant is rare. At this time, the clinical significance of this variant is uncertain due to the absence of conclusive functional and genetic evidence.

NM_020843.4(SCAPER):c.210C>G (p.Asp70Glu)

Gene: SCAPER (S-phase cyclin A associated protein in the ER; minus strand). Cytogenetic location: 15q24.3.
Variant type: single nucleotide variant.
Coding change: c.210C>G on transcript NM_020843.4 (MANE Select); coding-DNA position 210, C replaced by G.
Protein change: p.Asp70Glu; replaces aspartic acid 70 with glutamic acid.
Molecular consequence: missense variant. On other transcripts: 5 prime UTR variant (4), non-coding transcript variant (1).
Genome position (GRCh38, 1-based): chr15:76,841,917, G>C on the plus strand (C>G on the coding strand, the complement: SCAPER is on the minus strand). VCF-style: chr15-76841917-G-C. GRCh37 (hg19) VCF-style: chr15-77134258-G-C.
Other names: c.-688C>G (NM_001145923.2); c.210C>G, p.Asp70Glu (NM_001353009.2); c.-193C>G (NM_001353010.2, NM_001353011.2, NM_001353012.2); short protein forms D70E.
Identifiers: ClinVar variation 4994851 (VCV004994851.1).